The following is an entry in ClinVar:

ClinVar aggregate classification (germline): Conflicting classifications of pathogenicity. Review status: criteria provided, conflicting classifications (1 of 4 stars). 8 submissions from 8 submitters: Uncertain significance (1); Benign (2); Likely benign (4). 1 of the submissions does not count toward it. Last evaluated 2026-05-18.

Conditions:
NF1-related disorder. Also called: NF1-related condition. Identifiers: MedGen CN379171.
Hereditary cancer-predisposing syndrome. Also called: Tumor predisposition; Neoplastic Syndromes, Hereditary; Hereditary Cancer Syndrome; Hereditary neoplastic syndrome. Identifiers: Orphanet 140162, MedGen C0027672, MeSH D009386, MONDO:0015356.
Neurofibromatosis, type 1 (NF1). Also called: Peripheral type neurofibromatosis; Neurofibromatosis, type I; NEUROFIBROMATOSIS, TYPE I, SOMATIC; VON RECKLINGHAUSEN DISEASE. Identifiers: Orphanet 636, MedGen C0027831, MONDO:0018975, OMIM 162200. Disease mechanism: loss of function.

Allele frequency attached by ClinVar (database versions not stated): gnomAD 0.00001 and 0.00003; gnomAD exomes 0.00003 and 0.00006; TOPMed 0.00004; ExAC 0.00007; 1000 Genomes Project 30x 0.00031; 1000 Genomes Project 0.00040.
gnomAD v4.1: 53 of 1,612,480 alleles (0.0033%); highest among the groups gnomAD compares: East Asian, 0.12%; no homozygotes.

Submissions (8):

Myriad Genetics, Inc.
Classification: Benign for Neurofibromatosis, type 1. Last evaluated: 2026-05-18. Review status: criteria provided, single submitter. Criteria: Myriad Autosomal Dominant, Autosomal Recessive and X-Linked Classification Criteria (2023). Collection method: clinical testing. Allele origin: unknown.
Comment: This variant is considered benign. This variant is a silent/synonymous amino acid change and it is not expected to impact splicing.

Labcorp Genetics (formerly Invitae), Labcorp
Classification: Benign for Neurofibromatosis, type 1. Last evaluated: 2026-01-25. Review status: criteria provided, single submitter. Criteria: Invitae Variant Classification Sherloc (09022015). Collection method: clinical testing. Allele origin: germline.

CeGaT Center for Human Genetics Tuebingen
Classification: Likely benign. Last evaluated: 2025-07-01. Review status: criteria provided, single submitter. Criteria: CeGaT Center For Human Genetics Tuebingen Variant Classification Criteria Version 2. Collection method: clinical testing. Allele origin: germline. Affected: yes. Observed: 2 variant alleles.
Comment: NF1: BP4, BP7

Blueprint Genetics
Classification: Likely benign. Last evaluated: 2022-09-16. Review status: criteria provided, single submitter. Criteria: ACMG Guidelines, 2015. Collection method: clinical testing. Allele origin: germline.

Sema4
Classification: Likely benign for Hereditary cancer-predisposing syndrome. Last evaluated: 2020-08-31. Review status: criteria provided, single submitter. Criteria: Sema4 Curation Guidelines. Collection method: curation. Allele origin: germline.

Genetic Services Laboratory, University of Chicago
Classification: Uncertain significance. Last evaluated: 2016-05-25. Review status: criteria provided, single submitter. Criteria: ACMG Guidelines, 2015. Collection method: clinical testing. Allele origin: germline. Affected: no.

Ambry Genetics
Classification: Likely benign for Hereditary cancer-predisposing syndrome. Last evaluated: 2015-03-09. Review status: criteria provided, single submitter. Criteria: Ambry Autosomal Dominant and X-Linked criteria (10/2015). Collection method: clinical testing. Allele origin: germline. Observed: 1 variant allele.

PreventionGenetics, part of Exact Sciences
Classification: Likely benign for NF1-related condition. Last evaluated: 2021-11-10. Review status: no assertion criteria provided. Collection method: clinical testing. Allele origin: germline. Not counted in ClinVar's aggregate classification.
Comment: This variant is classified as likely benign based on ACMG/AMP sequence variant interpretation guidelines (Richards et al. 2015 PMID: 25741868, with internal and published modifications).

NM_001042492.3(NF1):c.2622G>A (p.Lys874=)

Gene: NF1 (neurofibromin 1; plus strand). Cytogenetic location: 17q11.2.
Variant type: single nucleotide variant.
Coding change: c.2622G>A on transcript NM_001042492.3 (MANE Select); coding-DNA position 2622, G replaced by A.
Protein change: p.Lys874=; no amino-acid change (lysine 874 retained).
Molecular consequence: synonymous variant.
Genome position (GRCh38, 1-based): chr17:31,229,237, G>A. VCF-style: chr17-31229237-G-A. GRCh37 (hg19) VCF-style: chr17-29556255-G-A.
Other names: c.2622G>A, p.Lys874= (NM_000267.4).
Identifiers: ClinVar variation 184534 (VCV000184534.42), dbSNP rs77917884, ClinGen allele CA189226.